The following is an entry in ClinVar:

NM_016363.5(GP6):c.71C>T (p.Pro24Leu)

Gene: GP6 (glycoprotein VI platelet; minus strand). Cytogenetic location: 19q13.42.
Variant type: single nucleotide variant.
Coding change: c.71C>T on transcript NM_016363.5 (MANE Select); coding-DNA position 71, C replaced by T.
Protein change: p.Pro24Leu; replaces proline 24 with leucine.
Molecular consequence: missense variant.
Genome position (GRCh38, 1-based): chr19:55,032,393, G>A on the plus strand (C>T on the coding strand, the complement: GP6 is on the minus strand). VCF-style: chr19-55032393-G-A. GRCh37 (hg19) VCF-style: chr19-55543761-G-A.
Other names: c.71C>T, p.Pro24Leu (NM_001083899.2, NM_001256017.2); short protein forms P24L.
Identifiers: ClinVar variation 1915782 (VCV001915782.6), dbSNP rs767523302, ClinGen allele CA310134629.
Genomic context (GRCh38, chr19:55,032,393, plus strand): 5'-ACTGGCTTCTCCAGGGGCACCAGGGAGCTGGGCAGAGCCTGGAGGGAGGGCTTGGGGAGC[G>A]GTCCTGGAAGAGGAGCAGGGCTGGGTCAGCCTCCCCGCAGACCCCGCCTGGACCCCGCTG-3'
Protein context (NP_057447.5, residues 14-34): CLGRVPAQSG[Pro24Leu]LPKPSLQALP

ClinVar aggregate classification (germline): Uncertain significance. Review status: criteria provided, multiple submitters, no conflicts (2 of 4 stars). 2 submissions from 2 submitters: Uncertain significance (2). Last evaluated 2025-10-24.

Conditions:
Inborn genetic diseases. Identifiers: MedGen C0950123, MeSH D030342.

Allele frequency attached by ClinVar (database versions not stated): gnomAD 0.00004; TOPMed 0.00004; ExAC 0.00005.
gnomAD v4.1: 52 of 1,612,554 alleles (0.0032%); highest among the groups gnomAD compares: Middle Eastern, 0.066%; 1 homozygote.

Submissions (2):

Ambry Genetics
Classification: Uncertain significance for Inborn genetic diseases. Last evaluated: 2025-10-24. Review status: criteria provided, single submitter. Criteria: Ambry Variant Classification Scheme 2023. Collection method: clinical testing. Allele origin: germline.

Labcorp Genetics (formerly Invitae), Labcorp
Classification: Uncertain significance. Last evaluated: 2022-10-06. Review status: criteria provided, single submitter. Criteria: Invitae Variant Classification Sherloc (09022015). Collection method: clinical testing. Allele origin: germline.
Comment: In summary, the available evidence is currently insufficient to determine the role of this variant in disease. Therefore, it has been classified as a Variant of Uncertain Significance. Algorithms developed to predict the effect of missense changes on protein structure and function output the following: SIFT: "Deleterious"; PolyPhen-2: "Benign"; Align-GVGD: "Class C0". The leucine amino acid residue is found in multiple mammalian species, which suggests that this missense change does not adversely affect protein function. This variant has not been reported in the literature in individuals affected with GP6-related conditions. This variant is present in population databases (rs767523302, gnomAD 0.02%). This sequence change replaces proline, which is neutral and non-polar, with leucine, which is neutral and non-polar, at codon 24 of the GP6 protein (p.Pro24Leu).